The following is an entry in ClinVar:

NM_032578.4(MYPN):c.3779G>A (p.Arg1260Lys)

Gene: MYPN (myopalladin; plus strand). Cytogenetic location: 10q21.3.
Variant type: single nucleotide variant.
Coding change: c.3779G>A on transcript NM_032578.4 (MANE Select); coding-DNA position 3779, G replaced by A.
Protein change: p.Arg1260Lys; replaces arginine 1260 with lysine.
Molecular consequence: missense variant. On other transcripts: non-coding transcript variant (2).
Genome position (GRCh38, 1-based): chr10:68,206,889, G>A. VCF-style: chr10-68206889-G-A. GRCh37 (hg19) VCF-style: chr10-69966646-G-A.
Other names: c.3779G>A, p.Arg1260Lys (NM_001256267.2); c.2897G>A, p.Arg966Lys (NM_001256268.2); short protein forms R1260K, R966K.
Identifiers: ClinVar variation 1384291 (VCV001384291.8), dbSNP rs2134338662, ClinGen allele CA376829149.

ClinVar aggregate classification (germline): Uncertain significance (1 of 4 stars; one submission).

Conditions:
Dilated cardiomyopathy 1KK (CMD1KK). Identifiers: Orphanet 154, Orphanet 75249, MedGen C3714995, MONDO:0014100, OMIM 615248.

Allele frequency attached by ClinVar (database versions not stated): gnomAD exomes below 0.00001.
gnomAD v4.1: 2 of 1,614,164 alleles (0.00012%); highest among the groups gnomAD compares: Non-Finnish European, 0.00017%; no homozygotes.

Submission:

Labcorp Genetics (formerly Invitae), Labcorp
Classification: Uncertain significance for Dilated cardiomyopathy 1KK. Last evaluated: 2021-04-02. Review status: criteria provided, single submitter. Criteria: Invitae Variant Classification Sherloc (09022015). Collection method: clinical testing. Allele origin: germline.
Comment: This variant has not been reported in the literature in individuals with MYPN-related conditions. This variant is not present in population databases (ExAC no frequency). This sequence change replaces arginine with lysine at codon 1260 of the MYPN protein (p.Arg1260Lys). The arginine residue is highly conserved and there is a small physicochemical difference between arginine and lysine. Algorithms developed to predict the effect of missense changes on protein structure and function are either unavailable or do not agree on the potential impact of this missense change (SIFT: "Tolerated"; PolyPhen-2: "Probably Damaging"; Align-GVGD: "Class C0"). In summary, the available evidence is currently insufficient to determine the role of this variant in disease. Therefore, it has been classified as a Variant of Uncertain Significance. Algorithms developed to predict the effect of sequence changes on RNA splicing suggest that this variant may create or strengthen a splice site, but this prediction has not been confirmed by published transcriptional studies.